The following is an entry in ClinVar:

ClinVar aggregate classification (germline): Uncertain significance (1 of 4 stars; one submission).

Allele frequency attached by ClinVar (database versions not stated): gnomAD exomes 0.00001 and 0.00002; ExAC 0.00003.

Submission:

Labcorp Genetics (formerly Invitae), Labcorp
Classification: Uncertain significance. Last evaluated: 2025-04-17. Review status: criteria provided, single submitter. Criteria: Invitae Variant Classification Sherloc (09022015). Collection method: clinical testing. Allele origin: germline.
Comment: This sequence change replaces arginine, which is basic and polar, with tryptophan, which is neutral and slightly polar, at codon 145 of the RP1L1 protein (p.Arg145Trp). This variant is present in population databases (rs749098420, gnomAD 0.006%). This variant has not been reported in the literature in individuals affected with RP1L1-related conditions. ClinVar contains an entry for this variant (Variation ID: 1367815). Invitae Evidence Modeling of protein sequence and biophysical properties (such as structural, functional, and spatial information, amino acid conservation, physicochemical variation, residue mobility, and thermodynamic stability) indicates that this missense variant is not expected to disrupt RP1L1 protein function with a negative predictive value of 80%. In summary, the available evidence is currently insufficient to determine the role of this variant in disease. Therefore, it has been classified as a Variant of Uncertain Significance.

NM_178857.6(RP1L1):c.433C>T (p.Arg145Trp)

Gene: RP1L1 (RP1 like 1). Cytogenetic location: 8p23.1.
Variant type: single nucleotide variant.
Coding change: c.433C>T on transcript NM_178857.6 (MANE Select); coding-DNA position 433, C replaced by T.
Protein change: p.Arg145Trp; replaces arginine 145 with tryptophan.
Molecular consequence: missense variant.
Genome position (GRCh38, 1-based): chr8:10,622,769, G>A on the plus strand (C>T on the coding strand, the complement: RP1L1 is on the minus strand). VCF-style: chr8-10622769-G-A. GRCh37 (hg19) VCF-style: chr8-10480279-G-A.
Other names: short protein forms R145W.
Identifiers: ClinVar variation 1367815 (VCV001367815.8), dbSNP rs749098420, ClinGen allele CA4625704.